The following is an entry in ClinVar:

ClinVar aggregate classification (germline): Pathogenic (1 of 4 stars; one submission).

Conditions:
Neurofibromatosis, type 2 (SWNV). Also called: BILATERAL ACOUSTIC NEUROFIBROMATOSIS; NF2-Related Schwannomatosis; SCHWANNOMATOSIS, VESTIBULAR. Identifiers: Orphanet 637, MedGen C0027832, MONDO:0007039, OMIM 101000. Disease mechanism: loss of function.

Submission:

Labcorp Genetics (formerly Invitae), Labcorp
Classification: Pathogenic for Neurofibromatosis, type 2. Last evaluated: 2025-09-03. Review status: criteria provided, single submitter. Criteria: Invitae Variant Classification Sherloc (09022015). Collection method: clinical testing. Allele origin: germline.
Comment: This sequence change creates a premature translational stop signal (p.Ile68Thrfs*55) in the NF2 gene. It is expected to result in an absent or disrupted protein product. Loss-of-function variants in NF2 are known to be pathogenic (PMID: 9643284, 16983642). This variant is not present in population databases (gnomAD no frequency). This variant has not been reported in the literature in individuals affected with NF2-related conditions. For these reasons, this variant has been classified as Pathogenic.

Literature cited by the submitters: PubMed 9643284; PubMed 16983642.

NM_000268.4(NF2):c.203del (p.Ile68fs)

Gene: NF2 (NF2, moesin-ezrin-radixin like (MERLIN) tumor suppressor; plus strand). Cytogenetic location: 22q12.2.
Variant type: Deletion.
Coding change: c.203del on transcript NM_000268.4 (MANE Select); coding-DNA position 203, one base deleted (T; older notation c.203delT).
Protein change: p.Ile68fs; shifts the reading frame from isoleucine 68.
Molecular consequence: frameshift variant. On other transcripts: 5 prime UTR variant (2), intron variant (6).
Genome position (GRCh38, 1-based): chr22:29,636,839, T deleted. VCF-style (leftmost placement, unchanged base first): chr22-29636838-AT-A. GRCh37 (hg19) VCF-style: chr22-30032827-AT-A.
Other names: c.89del, p.Ile30fs (NM_001407053.1, NM_001407056.1); c.203del, p.Ile68fs (NM_001407054.1, NM_001407057.1, NM_001407058.1 and 9 more transcripts); c.-438del (NM_001407065.1); c.-54del (NM_001407067.1); c.115-2251del (NM_181828.3, NM_001407055.1); c.115-5363del (NM_001407063.1, NM_181830.3, NM_001407064.1 and 1 more transcripts); short protein forms I68fs, I30fs.
Identifiers: ClinVar variation 4726522 (VCV004726522.1).